The following is an entry in ClinVar:

ClinVar aggregate classification (germline): Likely benign (1 of 4 stars; one submission).

gnomAD v4.1: 3 of 1,548,604 alleles (0.00019%); highest among the groups gnomAD compares: East Asian, 0.0073%; no homozygotes.

Submission:

CeGaT Center for Human Genetics Tuebingen
Classification: Likely benign. Last evaluated: 2024-08-01. Review status: criteria provided, single submitter. Criteria: CeGaT Center For Human Genetics Tuebingen Variant Classification Criteria Version 2. Collection method: clinical testing. Allele origin: germline. Affected: yes. Observed: 1 variant allele.
Comment: TRIO: BP4, BP7

NM_007118.4(TRIO):c.7320C>T (p.Ser2440=)

Gene: TRIO (trio Rho guanine nucleotide exchange factor; plus strand). Cytogenetic location: 5p15.2.
Variant type: single nucleotide variant.
Coding change: c.7320C>T on transcript NM_007118.4 (MANE Select); coding-DNA position 7320, C replaced by T.
Protein change: p.Ser2440=; no amino-acid change (serine 2440 retained).
Molecular consequence: synonymous variant.
Genome position (GRCh38, 1-based): chr5:14,487,948, C>T. VCF-style: chr5-14487948-C-T. GRCh37 (hg19) VCF-style: chr5-14488057-C-T.
Identifiers: ClinVar variation 3341998 (VCV003341998.16).
Genomic context (GRCh38, chr5:14,487,948, plus strand): 5'-AGGCGCCGCGAACGCCTCGGGGTCGAGCCCAGACGCCCCCGCCAAGGACGCGCGCGCTAG[C>T]CTGGGCACCCTGCCGCTTGGGAAGCCCCGGGCCGGGGCCGCTTCGCCGCTGAACTCGCCG-3'
Protein context (NP_009049.2, residues 2430-2450): PDAPAKDARA[Ser2440=]LGTLPLGKPR